The following is an entry in ClinVar:

NM_003193.5(TBCE):c.101-5G>A

Gene: TBCE (tubulin folding cofactor E; plus strand). Cytogenetic location: 1q42.3.
Variant type: single nucleotide variant.
Coding change: c.101-5G>A on transcript NM_003193.5 (MANE Select); 5 bases into the intron before coding-DNA position 101, G replaced by A.
Molecular consequence: intron variant.
Genome position (GRCh38, 1-based): chr1:235,401,498, G>A. VCF-style: chr1-235401498-G-A. GRCh37 (hg19) VCF-style: chr1-235564813-G-A.
Other names: c.101-5G>A (NM_001079515.3, NM_001287801.2); c.-210-12935G>A (NM_001287802.2).
Identifiers: ClinVar variation 725798 (VCV000725798.39), dbSNP rs113829976, ClinGen allele CA1463930.

ClinVar aggregate classification (germline): Benign/Likely benign. Review status: criteria provided, multiple submitters, no conflicts (2 of 4 stars). 6 submissions from 6 submitters: Benign (2); Likely benign (2). 2 of the submissions do not count toward it. Last evaluated 2026-02-03.

Conditions:
Hypoparathyroidism-retardation-dysmorphism syndrome (HRDS). Also called: SANJAD-SAKATI SYNDROME. Identifiers: Orphanet 2323, MedGen C1855840, MONDO:0009426, OMIM 241410.

Allele frequency attached by ClinVar (database versions not stated): 1000 Genomes Project 0.00220; 1000 Genomes Project 30x 0.00234; gnomAD 0.00399 and 0.00440; TOPMed 0.00449; ESP Exome Variant Server 0.00531.
gnomAD v4.1: 1,236 of 1,613,384 alleles (0.077%); highest among the groups gnomAD compares: African/African-American, 1.4%; 12 homozygotes.

Submissions (6):

Labcorp Genetics (formerly Invitae), Labcorp
Classification: Benign. Last evaluated: 2026-02-03. Review status: criteria provided, single submitter. Criteria: Invitae Variant Classification Sherloc (09022015). Collection method: clinical testing. Allele origin: germline.

Blueprint Genetics
Classification: Likely benign. Last evaluated: 2024-11-12. Review status: criteria provided, single submitter. Criteria: ACMG Guidelines, 2015. Collection method: clinical testing. Allele origin: germline.

CeGaT Center for Human Genetics Tuebingen
Classification: Benign. Last evaluated: 2023-03-01. Review status: criteria provided, single submitter. Criteria: CeGaT Center For Human Genetics Tuebingen Variant Classification Criteria Version 2. Collection method: clinical testing. Allele origin: germline. Affected: yes. Observed: 1 variant allele.
Comment: TBCE: BP4, BS1, BS2

Illumina Laboratory Services, Illumina
Classification: Likely benign for Hypoparathyroidism-retardation-dysmorphism syndrome. Last evaluated: 2017-04-27. Review status: criteria provided, single submitter. Criteria: ICSL Variant Classification Criteria 13 December 2019. Collection method: clinical testing. Allele origin: germline.
Comment: This variant was observed as part of a predisposition screen in an ostensibly healthy population. A literature search was performed for the gene, cDNA change, and amino acid change (where applicable). No publications were found based on this search. Allele frequency data from public databases allowed determination this variant is unlikely to cause disease. Therefore, this variant is classified as likely benign.

Clinical Genetics, Academic Medical Center
Classification: Benign. Review status: no assertion criteria provided. Collection method: clinical testing. Allele origin: germline. Affected: yes. Study: VKGL Data-share Consensus. Not counted in ClinVar's aggregate classification.

Genome Diagnostics Laboratory, University Medical Center Utrecht
Classification: Likely benign. Review status: no assertion criteria provided. Collection method: clinical testing. Allele origin: germline. Affected: yes. Study: VKGL Data-share Consensus. Not counted in ClinVar's aggregate classification.